The following is an entry in ClinVar:

ClinVar aggregate classification (germline): Conflicting classifications of pathogenicity. Review status: criteria provided, conflicting classifications (1 of 4 stars). 5 submissions from 5 submitters: Uncertain significance (3); Likely benign (2). Last evaluated 2025-12-09.

Conditions:
Age related macular degeneration 1 (ARMD1). Also called: MACULOPATHY, AGE-RELATED, 1. Identifiers: MedGen C1864205, MONDO:0011285, OMIM 603075.
HMCN1-related disorder. Also called: HMCN1-related condition.

Allele frequency attached by ClinVar (database versions not stated): ESP Exome Variant Server 0.00015; 1000 Genomes Project 30x 0.00016; 1000 Genomes Project 0.00020; gnomAD exomes 0.00028 and 0.00058; ExAC 0.00029; gnomAD 0.00046 and 0.00050; TOPMed 0.00046.
gnomAD v4.1: 918 of 1,613,060 alleles (0.057%); highest among the groups gnomAD compares: Non-Finnish European, 0.07%; 1 homozygote.

Submissions (5):

Labcorp Genetics (formerly Invitae), Labcorp
Classification: Uncertain significance. Last evaluated: 2025-12-09. Review status: criteria provided, single submitter. Criteria: Invitae Variant Classification Sherloc (09022015). Collection method: clinical testing. Allele origin: germline.
Comment: This sequence change replaces methionine, which is neutral and non-polar, with valine, which is neutral and non-polar, at codon 2449 of the HMCN1 protein (p.Met2449Val). This variant is present in population databases (rs199613884, gnomAD 0.06%), and has an allele count higher than expected for a pathogenic variant. This variant has not been reported in the literature in individuals affected with HMCN1-related conditions. ClinVar contains an entry for this variant (Variation ID: 874718). An algorithm developed to predict the effect of missense changes on protein structure and function outputs the following: PolyPhen-2: "Benign". The valine amino acid residue is found in multiple mammalian species, which suggests that this missense change does not adversely affect protein function. In summary, the available evidence is currently insufficient to determine the role of this variant in disease. Therefore, it has been classified as a Variant of Uncertain Significance.

Ambry Genetics
Classification: Uncertain significance. Last evaluated: 2025-06-19. Review status: criteria provided, single submitter. Criteria: Ambry Variant Classification Scheme 2023. Collection method: clinical testing. Allele origin: germline.

PreventionGenetics, part of Exact Sciences
Classification: Likely benign for HMCN1-related condition. Last evaluated: 2025-03-30. Review status: criteria provided, single submitter. Criteria: ACMG Guidelines, 2015. Collection method: clinical testing. Allele origin: germline.
Comment: This variant is classified as likely benign based on ACMG/AMP sequence variant interpretation guidelines (Richards et al. 2015 PMID: 25741868, with internal and published modifications).

CeGaT Center for Human Genetics Tuebingen
Classification: Likely benign. Last evaluated: 2022-05-01. Review status: criteria provided, single submitter. Criteria: CeGaT Center For Human Genetics Tuebingen Variant Classification Criteria Version 2. Collection method: clinical testing. Allele origin: germline. Affected: yes. Observed: 1 variant allele.
Comment: HMCN1: BP4

Illumina Laboratory Services, Illumina
Classification: Uncertain significance for Age related macular degeneration 1. Last evaluated: 2018-01-13. Review status: criteria provided, single submitter. Criteria: ICSL Variant Classification Criteria 13 December 2019. Collection method: clinical testing. Allele origin: germline.

NM_031935.3(HMCN1):c.7345A>G (p.Met2449Val)

Gene: HMCN1 (hemicentin 1; plus strand). Cytogenetic location: 1q31.1.
Variant type: single nucleotide variant.
Coding change: c.7345A>G on transcript NM_031935.3 (MANE Select); coding-DNA position 7345, A replaced by G.
Protein change: p.Met2449Val; replaces methionine 2449 with valine.
Molecular consequence: missense variant.
Genome position (GRCh38, 1-based): chr1:186,061,883, A>G. VCF-style: chr1-186061883-A-G. GRCh37 (hg19) VCF-style: chr1-186031015-A-G.
Other names: short protein forms M2449V.
Identifiers: ClinVar variation 874718 (VCV000874718.37), dbSNP rs199613884, ClinGen allele CA1292809.